The following is an entry in ClinVar:

NM_001366385.1(CARD14):c.1652C>T (p.Ser551Leu)

Gene: CARD14 (caspase recruitment domain family member 14; plus strand). Cytogenetic location: 17q25.3.
Variant type: single nucleotide variant.
Coding change: c.1652C>T on transcript NM_001366385.1 (MANE Select); coding-DNA position 1652, C replaced by T.
Protein change: p.Ser551Leu; replaces serine 551 with leucine.
Molecular consequence: missense variant. On other transcripts: non-coding transcript variant (1).
Genome position (GRCh38, 1-based): chr17:80,198,156, C>T. VCF-style: chr17-80198156-C-T. GRCh37 (hg19) VCF-style: chr17-78171955-C-T.
Other names: c.1652C>T, p.Ser551Leu (NM_024110.4, NM_001257970.1); c.941C>T, p.Ser314Leu (NM_052819.3); c.1652C>T (NM_024110.3); short protein forms S551L, S314L.
Identifiers: ClinVar variation 579124 (VCV000579124.9), dbSNP rs201449588, ClinGen allele CA8816911.

ClinVar aggregate classification (germline): Uncertain significance. Review status: criteria provided, multiple submitters, no conflicts (2 of 4 stars). 2 submissions from 2 submitters: Uncertain significance (2). Last evaluated 2025-05-18.

Conditions:
Inborn genetic diseases. Identifiers: MedGen C0950123, MeSH D030342.
Pityriasis rubra pilaris (PRP). Also called: Pityriasis rubra pilaris--familial type. Identifiers: Orphanet 2897, MedGen C0032027, MONDO:0100017, OMIM 173200, MONDO:0008251.
Psoriasis 2. Identifiers: MedGen C1864497, MONDO:0011269, OMIM 602723.

Allele frequency attached by ClinVar (database versions not stated): ExAC 0.00003; gnomAD 0.00003 and 0.00004; TOPMed 0.00004.
gnomAD v4.1: 43 of 1,613,662 alleles (0.0027%); highest among the groups gnomAD compares: Middle Eastern, 0.017%; no homozygotes.

Submissions (2):

Labcorp Genetics (formerly Invitae), Labcorp
Classification: Uncertain significance for Pityriasis rubra pilaris; Psoriasis 2. Last evaluated: 2025-05-18. Review status: criteria provided, single submitter. Criteria: Invitae Variant Classification Sherloc (09022015). Collection method: clinical testing. Allele origin: germline.
Comment: This sequence change replaces serine, which is neutral and polar, with leucine, which is neutral and non-polar, at codon 551 of the CARD14 protein (p.Ser551Leu). This variant is present in population databases (rs201449588, gnomAD 0.03%). This variant has not been reported in the literature in individuals affected with CARD14-related conditions. ClinVar contains an entry for this variant (Variation ID: 579124). Invitae Evidence Modeling of protein sequence and biophysical properties (such as structural, functional, and spatial information, amino acid conservation, physicochemical variation, residue mobility, and thermodynamic stability) indicates that this missense variant is not expected to disrupt CARD14 protein function with a negative predictive value of 95%. In summary, the available evidence is currently insufficient to determine the role of this variant in disease. Therefore, it has been classified as a Variant of Uncertain Significance.

Ambry Genetics
Classification: Uncertain significance for Inborn genetic diseases. Last evaluated: 2021-09-27. Review status: criteria provided, single submitter. Criteria: Ambry Variant Classification Scheme 2023. Collection method: clinical testing. Allele origin: germline.